The following is an entry in ClinVar:

NM_003859.3(DPM1):c.162-3del

Gene: DPM1 (dolichyl-phosphate mannosyltransferase subunit 1, catalytic; minus strand). Cytogenetic location: 20q13.13.
Variant type: Deletion.
Coding change: c.162-3del on transcript NM_003859.3 (MANE Select); 3 bases into the intron before coding-DNA position 162, one base deleted (T; older notation c.162-3delT).
Molecular consequence: intron variant.
Genome position (GRCh38, 1-based): chr20:50,955,288, A deleted on the plus strand (T on the coding strand, the reverse complement: DPM1 is on the minus strand); the first of 7 consecutive A bases (chr20:50,955,288-50,955,294); deleting any one gives the same sequence. VCF-style (leftmost placement, unchanged base first): chr20-50955287-TA-T. GRCh37 (hg19) VCF-style: chr20-49571824-TA-T.
Other names: c.162-3del (NM_001317036.1, NM_001317035.1, NM_001317034.1).
Identifiers: ClinVar variation 940708 (VCV000940708.8), dbSNP rs1568774485, ClinGen allele CA635766007.

ClinVar aggregate classification (germline): Uncertain significance (1 of 4 stars; one submission).

Conditions:
Congenital disorder of glycosylation type 1E (CDG1E). Also called: CONGENITAL DISORDER OF GLYCOSYLATION, TYPE Ie; CDG Ie. Identifiers: Orphanet 79322, MedGen C1837396, MONDO:0012123, OMIM 608799.

Submission:

Labcorp Genetics (formerly Invitae), Labcorp
Classification: Uncertain significance for Congenital disorder of glycosylation type 1E. Last evaluated: 2019-09-03. Review status: criteria provided, single submitter. Criteria: Invitae Variant Classification Sherloc (09022015). Collection method: clinical testing. Allele origin: germline.
Comment: In summary, the available evidence is currently insufficient to determine the role of this variant in disease. Therefore, it has been classified as a Variant of Uncertain Significance. Nucleotide substitutions within the consensus splice site are a relatively common cause of aberrant splicing (PMID: 17576681, 9536098). Algorithms developed to predict the effect of sequence changes on RNA splicing suggest that this variant is not likely to affect RNA splicing, but this prediction has not been confirmed by published transcriptional studies. This variant has not been reported in the literature in individuals with DPM1-related conditions. This variant is not present in population databases (ExAC no frequency). This sequence change falls in intron 1 of the DPM1 gene. It does not directly change the encoded amino acid sequence of the DPM1 protein, but it affects a nucleotide within the consensus splice site of the intron.

Literature cited by the submitters: PubMed 17576681; PubMed 9536098.